The following is an entry in ClinVar:

ClinVar aggregate classification (germline): Uncertain significance. Review status: criteria provided, multiple submitters, no conflicts (2 of 4 stars). 2 submissions from 2 submitters: Uncertain significance (2). Last evaluated 2026-09-08.

Conditions:
TRRAP-related disorder. Also called: TRRAP-related condition.

gnomAD v4.1: 23 of 1,614,146 alleles (0.0014%); highest among the groups gnomAD compares: African/African-American, 0.0067%; no homozygotes.

Submissions (2):

PreventionGenetics, part of Exact Sciences
Classification: Uncertain significance for TRRAP-related condition. Last evaluated: 2026-09-08. Review status: criteria provided, single submitter. Criteria: ACMG Guidelines, 2015. Collection method: clinical testing. Allele origin: germline.
Comment: The TRRAP c.3656C>T variant is predicted to result in the amino acid substitution p.Thr1219Met. To our knowledge, this variant has not been reported in the literature. This variant is reported in 0.0062% of alleles in individuals of African descent in gnomAD. At this time, the clinical significance of this variant is uncertain due to the absence of conclusive functional and genetic evidence.

Labcorp Genetics (formerly Invitae), Labcorp
Classification: Uncertain significance. Last evaluated: 2025-07-18. Review status: criteria provided, single submitter. Criteria: Invitae Variant Classification Sherloc (09022015). Collection method: clinical testing. Allele origin: germline.
Comment: This sequence change replaces threonine, which is neutral and polar, with methionine, which is neutral and non-polar, at codon 1219 of the TRRAP protein (p.Thr1219Met). This variant is present in population databases (rs188446716, gnomAD 0.007%). This variant has not been reported in the literature in individuals affected with TRRAP-related conditions. ClinVar contains an entry for this variant (Variation ID: 3604644). Invitae Evidence Modeling of protein sequence and biophysical properties (such as structural, functional, and spatial information, amino acid conservation, physicochemical variation, residue mobility, and thermodynamic stability) has been performed for this missense variant. However, the output from this modeling did not meet the statistical confidence thresholds required to predict the impact of this variant on TRRAP protein function. In summary, the available evidence is currently insufficient to determine the role of this variant in disease. Therefore, it has been classified as a Variant of Uncertain Significance.

NM_001375524.1(TRRAP):c.3656C>T (p.Thr1219Met)

Gene: TRRAP (transformation/transcription domain associated protein; plus strand). Cytogenetic location: 7q22.1.
Variant type: single nucleotide variant.
Coding change: c.3656C>T on transcript NM_001375524.1 (MANE Select); coding-DNA position 3656, C replaced by T.
Protein change: p.Thr1219Met; replaces threonine 1219 with methionine.
Molecular consequence: missense variant.
Genome position (GRCh38, 1-based): chr7:98,931,469, C>T. VCF-style: chr7-98931469-C-T. GRCh37 (hg19) VCF-style: chr7-98529092-C-T.
Other names: c.3656C>T, p.Thr1219Met (NM_001244580.2, NM_003496.4); c.3656C>T (NM_003496.3); short protein forms T1219M.
Identifiers: ClinVar variation 3604644 (VCV003604644.3).